The following is an entry in ClinVar:

NM_002076.4(GNS):c.1026G>A (p.Gln342=)

Gene: GNS (glucosamine (N-acetyl)-6-sulfatase; minus strand). Cytogenetic location: 12q14.3.
Variant type: single nucleotide variant.
Coding change: c.1026G>A on transcript NM_002076.4 (MANE Select); coding-DNA position 1026, G replaced by A.
Protein change: p.Gln342=; no amino-acid change (glutamine 342 retained).
Molecular consequence: synonymous variant.
Genome position (GRCh38, 1-based): chr12:64,737,076, C>T on the plus strand (G>A on the coding strand, the complement: GNS is on the minus strand). VCF-style: chr12-64737076-C-T. GRCh37 (hg19) VCF-style: chr12-65130856-C-T.
Identifiers: ClinVar variation 784604 (VCV000784604.16), dbSNP rs115586725, ClinGen allele CA6669771.

ClinVar aggregate classification (germline): Benign/Likely benign. Review status: criteria provided, multiple submitters, no conflicts (2 of 4 stars). 4 submissions from 4 submitters: Benign (1); Likely benign (2). 1 of the submissions does not count toward it. Last evaluated 2026-01-28.

Conditions:
Sanfilippo syndrome. Also called: Mucopolysaccharidosis type 3; Mucopolysaccharidosis Type III; Sanfilippo disease. Identifiers: Orphanet 581, MedGen C0026706, MONDO:0018937.
Mucopolysaccharidosis, MPS-III-D (MPS3D). Also called: SANFILIPPO SYNDROME D; MPS III D; Mucopoly-saccharidosis type 3D; N-acetylglucosamine-6-sulfate sulfatase deficiency; MPS 3D; N-ACETYLGLUCOSAMINE-6-SULFATASE DEFICIENCY. Identifiers: Orphanet 581, Orphanet 79272, MedGen C0086650, MONDO:0009658, OMIM 252940.

Allele frequency attached by ClinVar (database versions not stated): 1000 Genomes Project 30x 0.00297; 1000 Genomes Project 0.00300; gnomAD 0.00329 and 0.00349; TOPMed 0.00370; ESP Exome Variant Server 0.00400; ExAC 0.00107; gnomAD exomes 0.00081.
gnomAD v4.1: 924 of 1,596,064 alleles (0.058%); highest among the groups gnomAD compares: African/African-American, 1.1%; 9 homozygotes.

Submissions (4):

Labcorp Genetics (formerly Invitae), Labcorp
Classification: Benign for Mucopolysaccharidosis, MPS-III-D. Last evaluated: 2026-01-28. Review status: criteria provided, single submitter. Criteria: Invitae Variant Classification Sherloc (09022015). Collection method: clinical testing. Allele origin: germline.

Illumina Laboratory Services, Illumina
Classification: Likely benign for Mucopolysaccharidosis, MPS-III-D. Last evaluated: 2018-01-13. Review status: criteria provided, single submitter. Criteria: ICSL Variant Classification Criteria 13 December 2019. Collection method: clinical testing. Allele origin: germline.
Comment: This variant was observed in the ICSL laboratory as part of a predisposition screen in an ostensibly healthy population. It had not been previously curated by ICSL or reported in the Human Gene Mutation Database (HGMD: prior to June 1st, 2018), and was therefore a candidate for classification through an automated scoring system. Utilizing variant allele frequency, disease prevalence and penetrance estimates, and inheritance mode, an automated score was calculated to assess if this variant is too frequent to cause the disease. Based on the score and internal cut-off values, a variant classified as likely benign is not then subjected to further curation. The score for this variant resulted in a classification of likely benign for this disease.

Breakthrough Genomics
Classification: Likely benign. Review status: criteria provided, single submitter. Criteria: ACMG Guidelines, 2015. Collection method: not provided. Allele origin: germline. Inheritance: Autosomal recessive inheritance. Affected: yes.

Natera, Inc.
Classification: Likely benign for Sanfilippo disease. Last evaluated: 2019-10-22. Review status: no assertion criteria provided. Collection method: clinical testing. Allele origin: germline. Not counted in ClinVar's aggregate classification.